The following is an entry in ClinVar:

NM_017617.5(NOTCH1):c.2014+1G>A

Gene: NOTCH1 (notch receptor 1; minus strand). Cytogenetic location: 9q34.3.
Variant type: single nucleotide variant.
Coding change: c.2014+1G>A on transcript NM_017617.5 (MANE Select); the canonical splice donor site of the intron after coding-DNA position 2014, G replaced by A.
Molecular consequence: splice donor variant.
Genome position (GRCh38, 1-based): chr9:136,515,289, C>T on the plus strand (G>A on the coding strand, the complement: NOTCH1 is on the minus strand). VCF-style: chr9-136515289-C-T. GRCh37 (hg19) VCF-style: chr9-139409741-C-T.
Identifiers: ClinVar variation 139664 (VCV000139664.2), dbSNP rs515726232, ClinGen allele CA163409.
Genomic context (GRCh38, chr9:136,515,289, plus strand): 5'-GAGTGGCTGACCTTGACCTCTGAGCACAGTGCAGTCAGCCCCCACGTGCAGGGCCGCTCA[C>T]CTGTGTAGCCCGGCTCACAGGCACACTCGTAGCCATCGATCTTGTCCAGACAGGTGCCCG-3'

ClinVar aggregate classification (germline): Likely pathogenic (0 of 4 stars; one submission).

Conditions:
Abnormal heart morphology. Also called: Heart, malformation of; Abnormality of cardiac morphology. Identifiers: MedGen C0018798, MeSH D006330, HP:0001627.

Submission:

Laboratory for Genetics of Human Development Center for Human Genetics, Catholic University of Leuven
Classification: Likely pathogenic. Review status: no assertion criteria provided. Collection method: not provided. Allele origin: germline, inherited.
ClinVar note: Converted during submission from probable-pathogenic to Likely pathogenic.